The following is an entry in ClinVar:

ClinVar aggregate classification (germline): Uncertain significance (1 of 4 stars; one submission).

Allele frequency attached by ClinVar (database versions not stated): TOPMed 0.00001; ExAC 0.00002; gnomAD 0.00003.
gnomAD v4.1: 12 of 1,609,062 alleles (0.00075%); highest among the groups gnomAD compares: Admixed American, 0.018%; no homozygotes.

Submission:

Labcorp Genetics (formerly Invitae), Labcorp
Classification: Uncertain significance. Last evaluated: 2025-04-26. Review status: criteria provided, single submitter. Criteria: Invitae Variant Classification Sherloc (09022015). Collection method: clinical testing. Allele origin: germline.
Comment: This sequence change replaces arginine, which is basic and polar, with proline, which is neutral and non-polar, at codon 538 of the PRDM13 protein (p.Arg538Pro). This variant is present in population databases (rs750792897, gnomAD 0.02%). This variant has not been reported in the literature in individuals affected with PRDM13-related conditions. ClinVar contains an entry for this variant (Variation ID: 1919489). An algorithm developed to predict the effect of missense changes on protein structure and function (PolyPhen-2) suggests that this variant is likely to be disruptive. In summary, the available evidence is currently insufficient to determine the role of this variant in disease. Therefore, it has been classified as a Variant of Uncertain Significance.

NM_021620.4(PRDM13):c.1613G>C (p.Arg538Pro)

Gene: PRDM13 (PR/SET domain 13; plus strand). Cytogenetic location: 6q16.2.
Variant type: single nucleotide variant.
Coding change: c.1613G>C on transcript NM_021620.4 (MANE Select); coding-DNA position 1613, G replaced by C.
Protein change: p.Arg538Pro; replaces arginine 538 with proline.
Molecular consequence: missense variant.
Genome position (GRCh38, 1-based): chr6:99,614,248, G>C. VCF-style: chr6-99614248-G-C. GRCh37 (hg19) VCF-style: chr6-100062124-G-C.
Other names: short protein forms R538P.
Identifiers: ClinVar variation 1919489 (VCV001919489.5), dbSNP rs750792897, ClinGen allele CA3936416.